The following is an entry in ClinVar:

ClinVar aggregate classification (germline): Pathogenic/Likely pathogenic. Review status: criteria provided, multiple submitters, no conflicts (2 of 4 stars). 5 submissions from 5 submitters: Pathogenic (4); Likely pathogenic (1). Last evaluated 2024-09-27.

Conditions:
Dilated cardiomyopathy 3B (CMD3B). Also called: CMD3B: DMD-Related Dilated Cardiomyopathy; CARDIOMYOPATHY, DILATED, X-LINKED; DMD-Associated Dilated Cardiomyopathy. Identifiers: Orphanet 154, MedGen C3668940, MONDO:0010542, OMIM 302045.
Duchenne muscular dystrophy (DMD). Also called: Duchenne Muscular Dystrophy (DMD); MUSCULAR DYSTROPHY, PSEUDOHYPERTROPHIC PROGRESSIVE, DUCHENNE TYPE. Identifiers: Orphanet 98896, MedGen C0013264, MONDO:0010679, OMIM 310200.
Becker muscular dystrophy (BMD). Also called: MUSCULAR DYSTROPHY, PSEUDOHYPERTROPHIC PROGRESSIVE, BECKER TYPE; Becker Muscular Dystrophy (BMD). Identifiers: Orphanet 98895, MedGen C0917713, MONDO:0010311, OMIM 300376.

Submissions (5):

Labcorp Genetics (formerly Invitae), Labcorp
Classification: Pathogenic for Duchenne muscular dystrophy. Last evaluated: 2024-09-27. Review status: criteria provided, single submitter. Criteria: Invitae Variant Classification Sherloc (09022015). Collection method: clinical testing. Allele origin: germline.
Comment: This sequence change affects a donor splice site in intron 26 of the DMD gene. It is expected to disrupt RNA splicing. Variants that disrupt the donor or acceptor splice site typically lead to a loss of protein function (PMID: 16199547), and loss-of-function variants in DMD are known to be pathogenic (PMID: 16770791, 25007885). This variant is not present in population databases (gnomAD no frequency). Disruption of this splice site has been observed in individuals with Duchenne muscular dystrophy (PMID: 10464635, 19937601, 23536893, 24505439). This variant is also known as IVS26+1G>T. ClinVar contains an entry for this variant (Variation ID: 585781). Algorithms developed to predict the effect of sequence changes on RNA splicing suggest that this variant may disrupt the consensus splice site. For these reasons, this variant has been classified as Pathogenic.

Mendelics
Classification: Pathogenic for Duchenne muscular dystrophy. Last evaluated: 2023-03-30. Review status: criteria provided, single submitter. Criteria: Mendelics Assertion Criteria 2017. Collection method: clinical testing. Allele origin: unknown.

Athena Diagnostics
Classification: Pathogenic. Last evaluated: 2018-06-05. Review status: criteria provided, single submitter. Criteria: Athena Diagnostics Criteria. Collection method: clinical testing. Allele origin: germline.

Eurofins Ntd Llc (ga)
Classification: Pathogenic. Last evaluated: 2017-07-17. Review status: criteria provided, single submitter. Criteria: EGL Classification Definitions 2015. Collection method: clinical testing. Allele origin: germline.

Juno Genomics, Hangzhou Juno Genomics, Inc
Classification: Likely pathogenic for Becker muscular dystrophy; Dilated cardiomyopathy 3B; Duchenne muscular dystrophy. Review status: criteria provided, single submitter. Criteria: ACMG Guidelines, 2015. Collection method: clinical testing. Allele origin: germline.
Comment: Absent from controls (or at extremely low frequency if recessive) in Genome Aggregation Database.;Null variant in a gene where loss of function (LOF) is a known mechanism of disease.;The prevalence of the variant in affected individuals is significantly increased compared to the prevalence in controls.;Patient's phenotype or family history is highly specific for a disease with a single genetic etiology.

Literature cited by the submitters: PubMed 16199547 (cited by Labcorp Genetics (formerly Invitae), Labcorp); PubMed 16770791 (cited by Labcorp Genetics (formerly Invitae), Labcorp); PubMed 25007885 (cited by Labcorp Genetics (formerly Invitae), Labcorp); PubMed 10464635 (cited by Labcorp Genetics (formerly Invitae), Labcorp and Athena Diagnostics); PubMed 19937601 (cited by Labcorp Genetics (formerly Invitae), Labcorp); PubMed 23536893 (cited by Labcorp Genetics (formerly Invitae), Labcorp); PubMed 24505439 (cited by Labcorp Genetics (formerly Invitae), Labcorp); PubMed 28859693 (cited by Athena Diagnostics).

NM_004006.3(DMD):c.3603+1G>T

Gene: DMD (dystrophin; minus strand). Cytogenetic location: Xp21.1.
Variant type: single nucleotide variant.
Coding change: c.3603+1G>T on transcript NM_004006.3 (MANE Select); the canonical splice donor site of the intron after coding-DNA position 3603, G replaced by T.
Molecular consequence: splice donor variant.
Genome position (GRCh38, 1-based): chrX:32,454,661, C>A on the plus strand (G>T on the coding strand, the complement: DMD is on the minus strand). VCF-style: chrX-32454661-C-A. GRCh37 (hg19) VCF-style: chrX-32472778-C-A.
Other names: c.3579+1G>T (NM_000109.4); c.3591+1G>T (NM_004009.3); c.3234+1G>T (NM_004010.3).
Identifiers: ClinVar variation 585781 (VCV000585781.13), dbSNP rs1209389771, ClinGen allele CA412662828.
Genomic context (GRCh38, chrX:32,454,661, plus strand): 5'-ATTTCTTTCTTTTTCCATTTATTTCCTTTGTTTTACTTAGTTTTTCTTTTTTTTTTTTTA[C>A]CTTCATCTCTTCAACTGCTTTCTGTAATTCATCTGGAGTTTTATATTCAAAATCTCTCTC-3'